The following is an entry in ClinVar:

ClinVar aggregate classification (germline): Uncertain significance (1 of 4 stars; one submission).

Conditions:
Immunodeficiency. Identifiers: MedGen C0021051, MONDO:0021094, HP:0002721.

Submission:

Labcorp Genetics (formerly Invitae), Labcorp
Classification: Uncertain significance for Immunodeficiency. Last evaluated: 2025-03-30. Review status: criteria provided, single submitter. Criteria: Invitae Variant Classification Sherloc (09022015). Collection method: clinical testing. Allele origin: germline.
Comment: This sequence change replaces methionine, which is neutral and non-polar, with threonine, which is neutral and polar, at codon 1036 of the NFAT5 protein (p.Met1036Thr). This variant is not present in population databases (gnomAD no frequency). This variant has not been reported in the literature in individuals affected with NFAT5-related conditions. An algorithm developed to predict the effect of missense changes on protein structure and function (PolyPhen-2) suggests that this variant is likely to be tolerated. In summary, the available evidence is currently insufficient to determine the role of this variant in disease. Therefore, it has been classified as a Variant of Uncertain Significance.

NM_138713.4(NFAT5):c.3389T>C (p.Met1130Thr)

Gene: NFAT5 (nuclear factor of activated T cells 5; plus strand). Cytogenetic location: 16q22.1.
Variant type: single nucleotide variant.
Coding change: c.3389T>C on transcript NM_138713.4 (MANE Select); coding-DNA position 3389, T replaced by C.
Protein change: p.Met1130Thr; replaces methionine 1130 with threonine.
Molecular consequence: missense variant.
Genome position (GRCh38, 1-based): chr16:69,693,214, T>C. VCF-style: chr16-69693214-T-C. GRCh37 (hg19) VCF-style: chr16-69727117-T-C.
Other names: c.3386T>C, p.Met1129Thr (NM_001113178.3); c.2714T>C, p.Met905Thr (NM_001367709.1); c.3335T>C, p.Met1112Thr (NM_006599.4); c.3107T>C, p.Met1036Thr (NM_138714.4, NM_173214.3, NM_173215.3); short protein forms M1112T, M1130T, M905T, M1036T, M1129T.
Identifiers: ClinVar variation 4780324 (VCV004780324.1).